The following is an entry in ClinVar:

ClinVar aggregate classification (germline): Uncertain significance (1 of 4 stars; one submission).

Allele frequency attached by ClinVar (database versions not stated): gnomAD 0.00001.

Submission:

Labcorp Genetics (formerly Invitae), Labcorp
Classification: Uncertain significance. Last evaluated: 2022-01-17. Review status: criteria provided, single submitter. Criteria: Invitae Variant Classification Sherloc (09022015). Collection method: clinical testing. Allele origin: germline.
Comment: In summary, the available evidence is currently insufficient to determine the role of this variant in disease. Therefore, it has been classified as a Variant of Uncertain Significance. Algorithms developed to predict the effect of missense changes on protein structure and function (SIFT, PolyPhen-2, Align-GVGD) all suggest that this variant is likely to be disruptive. This variant has not been reported in the literature in individuals affected with SCP2-related conditions. This variant is present in population databases (no rsID available, gnomAD 0.01%). This sequence change replaces tyrosine, which is neutral and polar, with cysteine, which is neutral and slightly polar, at codon 197 of the SCP2 protein (p.Tyr197Cys).

NM_002979.5(SCP2):c.590A>G (p.Tyr197Cys)

Gene: SCP2 (sterol carrier protein 2; plus strand). Cytogenetic location: 1p32.3.
Variant type: single nucleotide variant.
Coding change: c.590A>G on transcript NM_002979.5 (MANE Select); coding-DNA position 590, A replaced by G.
Protein change: p.Tyr197Cys; replaces tyrosine 197 with cysteine.
Molecular consequence: missense variant.
Genome position (GRCh38, 1-based): chr1:52,976,685, A>G. VCF-style: chr1-52976685-A-G. GRCh37 (hg19) VCF-style: chr1-53442357-A-G.
Other names: c.458A>G, p.Tyr153Cys (NM_001007098.3, NM_001193600.2); c.518A>G, p.Tyr173Cys (NM_001193599.2); c.347A>G, p.Tyr116Cys (NM_001193617.2); c.590A>G, p.Tyr197Cys (NM_001330587.2); short protein forms Y153C, Y197C, Y116C, Y173C.
Identifiers: ClinVar variation 2087399 (VCV002087399.2), dbSNP rs1357548535, ClinGen allele CA340380441.
Genomic context (GRCh38, chr1:52,976,685, plus strand): 5'-CAACAAAAATTACAGTTGCTATCTCACATTCTGTAACTAATATTTATTTTGTATTTAGGT[A>G]TTCCCAGTTCCAAGATGAATACAGTTTAGATGAAGTGATGGCATCTAAAGAAGTTTTTGA-3'
Protein context (NP_002970.2, residues 187-207): KNHKHSVNNP[Tyr197Cys]SQFQDEYSLD